The following is an entry in ClinVar:

NM_000051.4(ATM):c.8152-5T>A

Genes: ATM (ATM serine/threonine kinase; plus strand), C11orf65 (chromosome 11 open reading frame 65; minus strand). Cytogenetic location: 11q22.3.
Variant type: single nucleotide variant.
Coding change: c.8152-5T>A on transcript NM_000051.4 (MANE Select); 5 bases into the intron before coding-DNA position 8152, T replaced by A.
Molecular consequence: intron variant.
Genome position (GRCh38, 1-based): chr11:108,335,840, T>A. VCF-style: chr11-108335840-T-A. GRCh37 (hg19) VCF-style: chr11-108206567-T-A.
Other names: c.695-548A>T (NM_001351110.2); c.8152-5T>A (NM_001351834.2); c.641-26769A>T (NM_001330368.2).
Identifiers: ClinVar variation 3653576 (VCV003653576.3).

ClinVar aggregate classification (germline): Uncertain significance. Review status: criteria provided, multiple submitters, no conflicts (2 of 4 stars). 2 submissions from 2 submitters: Uncertain significance (2). Last evaluated 2026-04-28.

Conditions:
Ataxia-telangiectasia syndrome (AT). Also called: Ataxia-telangiectasia, complementation group D; AT, COMPLEMENTATION GROUP C; ATAXIA-TELANGIECTASIA, COMPLEMENTATION GROUP A; ATAXIA-TELANGIECTASIA, FRESNO VARIANT; Ataxia-telangiectasia; Ataxia-telangiectasia, complementation group E. Identifiers: Orphanet 100, MedGen C0004135, MONDO:0008840, OMIM 208900.
Hereditary cancer-predisposing syndrome. Also called: Neoplastic Syndromes, Hereditary; Tumor predisposition; Hereditary Cancer Syndrome; Hereditary neoplastic syndrome. Identifiers: Orphanet 140162, MedGen C0027672, MeSH D009386, MONDO:0015356.

Submissions (2):

Ambry Genetics
Classification: Uncertain significance for Hereditary cancer-predisposing syndrome. Last evaluated: 2026-04-28. Review status: criteria provided, single submitter. Criteria: Ambry Variant Classification Scheme 2023. Collection method: clinical testing. Allele origin: germline.
Comment: The c.8152-5T>A intronic variant results from a T to A substitution 5 nucleotides upstream from coding exon 55 in the ATM gene. This nucleotide position is well conserved in available vertebrate species. In silico splice site analysis predicts that this alteration may weaken the native splice acceptor site and will result in the creation or strengthening of a novel splice acceptor site. Based on the available evidence, the clinical significance of this variant remains unclear.

Labcorp Genetics (formerly Invitae), Labcorp
Classification: Uncertain significance for Ataxia-telangiectasia syndrome. Last evaluated: 2024-05-21. Review status: criteria provided, single submitter. Criteria: Invitae Variant Classification Sherloc (09022015). Collection method: clinical testing. Allele origin: germline.
Comment: This sequence change falls in intron 55 of the ATM gene. It does not directly change the encoded amino acid sequence of the ATM protein. This variant is not present in population databases (gnomAD no frequency). This variant has not been reported in the literature in individuals affected with ATM-related conditions. Algorithms developed to predict the effect of sequence changes on RNA splicing suggest that this variant may disrupt the consensus splice site. In summary, the available evidence is currently insufficient to determine the role of this variant in disease. Therefore, it has been classified as a Variant of Uncertain Significance.